The following is an entry in ClinVar:

NM_001122659.3(EDNRB):c.*1703G>A

Genes: EDNRB (endothelin receptor type B; minus strand), EDNRB-AS1 (EDNRB antisense RNA 1; plus strand). Cytogenetic location: 13q22.3.
Variant type: single nucleotide variant.
Coding change: c.*1703G>A on transcript NM_001122659.3 (MANE Select); 1703 bases downstream of the stop codon, G replaced by A.
Molecular consequence: 3 prime UTR variant. On other transcripts: missense variant (1).
Genome position (GRCh38, 1-based): chr13:77,896,497, C>T on the plus strand (G>A on the coding strand, the complement: EDNRB is on the minus strand). VCF-style: chr13-77896497-C-T. GRCh37 (hg19) VCF-style: chr13-78470632-C-T.
Other names: c.*1703G>A (NM_000115.5, NM_001201397.2); c.1256G>A, p.Gly419Asp (NM_003991.4); short protein forms G419D.
Identifiers: ClinVar variation 4983004 (VCV004983004.1).

ClinVar aggregate classification (germline): Uncertain significance (1 of 4 stars; one submission).

Conditions:
EDNRB-related disorder. Also called: EDNRB-related condition; EDNRB-related disorders.

Submission:

PreventionGenetics, part of Exact Sciences
Classification: Uncertain significance for EDNRB-related condition. Last evaluated: 2026-06-15. Review status: criteria provided, single submitter. Criteria: ACMG Guidelines, 2015. Collection method: clinical testing. Allele origin: germline.
Comment: The EDNRB c.1256G>A variant is predicted to result in the amino acid substitution p.Gly419Asp. To our knowledge, this variant has not been reported in the literature. This variant is reported in 0.0092% of alleles in individuals of African descent in gnomAD. At this time, the clinical significance of this variant is uncertain due to the absence of conclusive functional and genetic evidence.